The following is an entry in ClinVar:

ClinVar aggregate classification (germline): Pathogenic (1 of 4 stars; one submission).

Conditions:
Epilepsy, familial focal, with variable foci 3 (FFEVF3). Identifiers: MedGen C4310708, MONDO:0014925, OMIM 617118.

Submission:

Labcorp Genetics (formerly Invitae), Labcorp
Classification: Pathogenic for Epilepsy, familial focal, with variable foci 3. Last evaluated: 2019-10-03. Review status: criteria provided, single submitter. Criteria: Invitae Variant Classification Sherloc (09022015). Collection method: clinical testing. Allele origin: germline.
Comment: Loss-of-function variants in NPRL3 are known to be pathogenic (PMID: 26285051, 26505888). For these reasons, this variant has been classified as Pathogenic. This variant is not present in population databases (ExAC no frequency). This variant has not been reported in the literature in individuals with NPRL3-related conditions. This sequence change creates a premature translational stop signal (p.Gly215Alafs*2) in the NPRL3 gene. It is expected to result in an absent or disrupted protein product.

Literature cited by the submitters: PubMed 26285051; PubMed 26505888.

NM_001077350.3(NPRL3):c.644del (p.Gly215fs)

Genes: HBA-LCR (alpha-globin locus control region; plus strand), NPRL3 (NPR3 like, GATOR1 complex subunit; minus strand). Cytogenetic location: 16p13.3.
Variant type: Deletion.
Coding change: c.644del on transcript NM_001077350.3 (MANE Select); coding-DNA position 644, one base deleted (G; older notation c.644delG).
Protein change: p.Gly215fs; shifts the reading frame from glycine 215.
Molecular consequence: frameshift variant.
Genome position (GRCh38, 1-based): chr16:100,495, C deleted on the plus strand (G on the coding strand, the reverse complement: NPRL3 is on the minus strand); the first of 3 consecutive C bases (chr16:100,495-100,497); deleting any one gives the same sequence. VCF-style (leftmost placement, unchanged base first): chr16-100494-GC-G. GRCh37 (hg19) VCF-style: chr16-150492-GC-G.
Other names: c.107del, p.Gly36fs (NM_001039476.3); c.410del, p.Gly137fs (NM_001243247.2); c.569del, p.Gly190fs (NM_001243248.2, NM_001243249.2); short protein forms G137fs, G215fs, G190fs, G36fs.
Identifiers: ClinVar variation 946477 (VCV000946477.7), dbSNP rs1899234101, ClinGen allele CA1139664211.